The following is an entry in ClinVar:

NM_017807.4(OSGEP):c.88C>T (p.Arg30Trp)

Genes: OSGEP (O-sialoglycoprotein endopeptidase; minus strand), LOC107372315 (OSGEP/APEX1 bi-directional promoter region; plus strand). Cytogenetic location: 14q11.2.
Variant type: single nucleotide variant.
Coding change: c.88C>T on transcript NM_017807.4 (MANE Select); coding-DNA position 88, C replaced by T.
Protein change: p.Arg30Trp; replaces arginine 30 with tryptophan.
Molecular consequence: missense variant.
Genome position (GRCh38, 1-based): chr14:20,454,596, G>A on the plus strand (C>T on the coding strand, the complement: OSGEP is on the minus strand). VCF-style: chr14-20454596-G-A. GRCh37 (hg19) VCF-style: chr14-20922755-G-A.
Other names: short protein forms R30W.
Identifiers: ClinVar variation 1313289 (VCV001313289.9), dbSNP rs747390123, ClinGen allele CA7081357.

ClinVar aggregate classification (germline): Uncertain significance. Review status: criteria provided, multiple submitters, no conflicts (2 of 4 stars). 3 submissions from 3 submitters: Uncertain significance (3). Last evaluated 2026-01-28.

Conditions:
Inborn genetic diseases. Identifiers: MedGen C0950123, MeSH D030342.

Allele frequency attached by ClinVar (database versions not stated): ExAC 0.00002; gnomAD 0.00003; gnomAD exomes 0.00003 and 0.00010; TOPMed 0.00004.
gnomAD v4.1: 154 of 1,613,938 alleles (0.0095%); highest among the groups gnomAD compares: Middle Eastern, 0.016%; no homozygotes.

Submissions (3):

GeneDx
Classification: Uncertain significance. Last evaluated: 2026-01-28. Review status: criteria provided, single submitter. Criteria: GeneDx Variant Classification Process June 2021. Collection method: clinical testing. Allele origin: germline. Affected: yes.
Comment: In silico analysis supports that this missense variant has a deleterious effect on protein structure/function; Has not been previously published as pathogenic or benign to our knowledge

Labcorp Genetics (formerly Invitae), Labcorp
Classification: Uncertain significance. Last evaluated: 2021-12-02. Review status: criteria provided, single submitter. Criteria: Invitae Variant Classification Sherloc (09022015). Collection method: clinical testing. Allele origin: germline.
Comment: Algorithms developed to predict the effect of missense changes on protein structure and function are either unavailable or do not agree on the potential impact of this missense change (SIFT: "Deleterious"; PolyPhen-2: "Possibly Damaging"; Align-GVGD: "Class C0"). In summary, the available evidence is currently insufficient to determine the role of this variant in disease. Therefore, it has been classified as a Variant of Uncertain Significance. ClinVar contains an entry for this variant (Variation ID: 1313289). This variant has not been reported in the literature in individuals affected with OSGEP-related conditions. This variant is present in population databases (rs747390123, gnomAD 0.01%). This sequence change replaces arginine, which is basic and polar, with tryptophan, which is neutral and slightly polar, at codon 30 of the OSGEP protein (p.Arg30Trp).

Ambry Genetics
Classification: Uncertain significance for Inborn genetic diseases. Last evaluated: 2020-12-28. Review status: criteria provided, single submitter. Criteria: Ambry Variant Classification Scheme 2023. Collection method: clinical testing. Allele origin: germline.
Comment: The c.88C>T (p.R30W) alteration is located in exon 1 (coding exon 1) of the OSGEP gene. This alteration results from a C to T substitution at nucleotide position 88, causing the arginine (R) at amino acid position 30 to be replaced by a tryptophan (W). The in silico prediction for the p.R30W alteration is inconclusive. Based on insufficient or conflicting evidence, the clinical significance of this alteration remains unclear.